The following is an entry in ClinVar:

ClinVar aggregate classification (germline): Uncertain significance (1 of 4 stars; one submission).

Submission:

Labcorp Genetics (formerly Invitae), Labcorp
Classification: Uncertain significance. Last evaluated: 2023-02-01. Review status: criteria provided, single submitter. Criteria: Invitae Variant Classification Sherloc (09022015). Collection method: clinical testing. Allele origin: germline.
Comment: This sequence change replaces glutamine, which is neutral and polar, with histidine, which is basic and polar, at codon 436 of the KAT6A protein (p.Gln436His). This variant is not present in population databases (gnomAD no frequency). This variant has not been reported in the literature in individuals affected with KAT6A-related conditions. Advanced modeling of protein sequence and biophysical properties (such as structural, functional, and spatial information, amino acid conservation, physicochemical variation, residue mobility, and thermodynamic stability) performed at Invitae indicates that this missense variant is not expected to disrupt KAT6A protein function. In summary, the available evidence is currently insufficient to determine the role of this variant in disease. Therefore, it has been classified as a Variant of Uncertain Significance.

NM_006766.5(KAT6A):c.1308A>C (p.Gln436His)

Gene: KAT6A (lysine acetyltransferase 6A; minus strand). Cytogenetic location: 8p11.21.
Variant type: single nucleotide variant.
Coding change: c.1308A>C on transcript NM_006766.5 (MANE Select); coding-DNA position 1308, A replaced by C.
Protein change: p.Gln436His; replaces glutamine 436 with histidine.
Molecular consequence: missense variant.
Genome position (GRCh38, 1-based): chr8:41,977,063, T>G on the plus strand (A>C on the coding strand, the complement: KAT6A is on the minus strand). VCF-style: chr8-41977063-T-G. GRCh37 (hg19) VCF-style: chr8-41834581-T-G.
Other names: c.1308A>C, p.Gln436His (NM_001305878.2); short protein forms Q436H.
Identifiers: ClinVar variation 2833756 (VCV002833756.3), dbSNP rs755242986, ClinGen allele CA371075656.
Genomic context (GRCh38, chr8:41,977,063, plus strand): 5'-CTTACCTGTGGGCCAATCTGAAGTGCTTGATTTCCTGTTGCCCCTCTTTCTGATTCGATA[T>G]TGCTCAGAGTAGTCCACCACTTCCCCCCGAGCTTTCCGCCCATCAGGGGAAGGGGTAAAA-3'
Protein context (NP_006757.2, residues 426-446): ARGEVVDYSE[Gln436His]YRIRKRGNRK